The following is an entry in ClinVar:

ClinVar aggregate classification (germline): Uncertain significance (1 of 4 stars; one submission).

Conditions:
Atypical hemolytic-uremic syndrome. Identifiers: Orphanet 2134, MedGen C2931788, MONDO:0016244.

Submission:

Genomenon, Inc
Classification: Uncertain significance for Atypical hemolytic-uremic syndrome. Last evaluated: 2025-09-30. Review status: criteria provided, single submitter. Criteria: Genomenon Sequence Variant Interpretation Standards. Collection method: curation. Allele origin: germline. Affected: yes.
Comment: C3 p.Gly321Val (c.962G>T) is a missense variant that changes the amino acid at residue 321 from Glycine to Valine. This variant has been observed in at least one proband affected with atypical hemolytic-uremic syndrome (PMID:36845135). It is absent or not present at a significant frequency in gnomAD. In silico models agree that this variant is not damaging. In conclusion, we classify C3 p.Gly321Val (c.962G>T) as a variant of unknown significance.

Literature cited by the submitters: PubMed 36845135.

NM_000064.4(C3):c.962G>T (p.Gly321Val)

Gene: C3 (complement C3; minus strand). Cytogenetic location: 19p13.3.
Variant type: single nucleotide variant.
Coding change: c.962G>T on transcript NM_000064.4 (MANE Select); coding-DNA position 962, G replaced by T.
Protein change: p.Gly321Val; replaces glycine 321 with valine.
Molecular consequence: missense variant.
Genome position (GRCh38, 1-based): chr19:6,713,230, C>A on the plus strand (G>T on the coding strand, the complement: C3 is on the minus strand). VCF-style: chr19-6713230-C-A. GRCh37 (hg19) VCF-style: chr19-6713241-C-A.
Other names: short protein forms G321V.
Identifiers: ClinVar variation 4280280 (VCV004280280.1).